The following is an entry in ClinVar:

NM_052947.4(ALPK2):c.6470T>A (p.Ile2157Lys)

Gene: ALPK2 (alpha kinase 2; minus strand). Cytogenetic location: 18q21.31.
Variant type: single nucleotide variant.
Coding change: c.6470T>A on transcript NM_052947.4 (MANE Select); coding-DNA position 6470, T replaced by A.
Protein change: p.Ile2157Lys; replaces isoleucine 2157 with lysine.
Molecular consequence: missense variant.
Genome position (GRCh38, 1-based): chr18:58,481,866, A>T on the plus strand (T>A on the coding strand, the complement: ALPK2 is on the minus strand). VCF-style: chr18-58481866-A-T. GRCh37 (hg19) VCF-style: chr18-56149098-A-T.
Other names: short protein forms I2157K.
Identifiers: ClinVar variation 3228864 (VCV003228864.1), dbSNP rs1568061859, ClinGen allele CA402538282.

ClinVar aggregate classification (germline): Uncertain significance (1 of 4 stars; one submission).

Allele frequency attached by ClinVar (database versions not stated): gnomAD exomes below 0.00001.
gnomAD v4.1: 4 of 1,614,090 alleles (0.00025%); highest among the groups gnomAD compares: South Asian, 0.0033%; no homozygotes.

Submission:

Ambry Genetics
Classification: Uncertain significance. Last evaluated: 2023-11-09. Review status: criteria provided, single submitter. Criteria: Ambry Variant Classification Scheme 2023. Collection method: clinical testing. Allele origin: germline.
Comment: The p.I2157K variant (also known as c.6470T>A), located in coding exon 12 of the ALPK2 gene, results from a T to A substitution at nucleotide position 6470. The isoleucine at codon 2157 is replaced by lysine, an amino acid with dissimilar properties. This amino acid position is conserved. In addition, this alteration is predicted to be tolerated by in silico analysis. Since supporting evidence is limited at this time, the clinical significance of this alteration remains unclear.